The following is an entry in ClinVar:

NM_003628.6(PKP4):c.2920G>A (p.Asp974Asn)

Genes: PKP4 (plakophilin 4; plus strand), PKP4-AS1 (PKP4 antisense RNA 1; minus strand). Cytogenetic location: 2q24.1.
Variant type: single nucleotide variant.
Coding change: c.2920G>A on transcript NM_003628.6 (MANE Select); coding-DNA position 2920, G replaced by A.
Protein change: p.Asp974Asn; replaces aspartic acid 974 with asparagine.
Molecular consequence: missense variant.
Genome position (GRCh38, 1-based): chr2:158,669,911, G>A. VCF-style: chr2-158669911-G-A. GRCh37 (hg19) VCF-style: chr2-159526423-G-A.
Other names: c.2920G>A, p.Asp974Asn (NM_001005476.4, NM_001377218.1, NM_001377225.1); c.2917G>A, p.Asp973Asn (NM_001304969.3, NM_001377219.1, NM_001377220.1 and 2 more transcripts); c.1891G>A, p.Asp631Asn (NM_001304970.3); c.2914G>A, p.Asp972Asn (NM_001377222.1, NM_001377223.1); c.2911G>A, p.Asp971Asn (NM_001377224.1); short protein forms D972N, D974N, D971N, D973N, D631N.
Identifiers: ClinVar variation 1797709 (VCV001797709.3), dbSNP rs145208278, ClinGen allele CA1921130.

ClinVar aggregate classification (germline): Uncertain significance (1 of 4 stars; one submission).

Allele frequency attached by ClinVar (database versions not stated): gnomAD 0.00001; TOPMed 0.00006; ESP Exome Variant Server 0.00008; ExAC 0.00011; 1000 Genomes Project 0.00020; 1000 Genomes Project 30x 0.00031.
gnomAD v4.1: 94 of 1,609,122 alleles (0.0058%); highest among the groups gnomAD compares: Admixed American, 0.0084%; no homozygotes.

Submission:

Ambry Genetics
Classification: Uncertain significance. Last evaluated: 2025-01-21. Review status: criteria provided, single submitter. Criteria: Ambry Variant Classification Scheme 2023. Collection method: clinical testing. Allele origin: germline.
Comment: The p.D974N variant (also known as c.2920G>A), located in coding exon 16 of the PKP4 gene, results from a G to A substitution at nucleotide position 2920. The aspartic acid at codon 974 is replaced by asparagine, an amino acid with highly similar properties. This amino acid position is conserved. In addition, this alteration is predicted to be tolerated by in silico analysis. Since supporting evidence is limited at this time, the clinical significance of this alteration remains unclear.